The following is an entry in ClinVar:

NM_001042492.3(NF1):c.3664C>T (p.Pro1222Ser)

Gene: NF1 (neurofibromin 1; plus strand). Cytogenetic location: 17q11.2.
Variant type: single nucleotide variant.
Coding change: c.3664C>T on transcript NM_001042492.3 (MANE Select); coding-DNA position 3664, C replaced by T.
Protein change: p.Pro1222Ser; replaces proline 1222 with serine.
Molecular consequence: missense variant.
Genome position (GRCh38, 1-based): chr17:31,233,169, C>T. VCF-style: chr17-31233169-C-T. GRCh37 (hg19) VCF-style: chr17-29560187-C-T.
Other names: c.3664C>T, p.Pro1222Ser (NM_000267.4); short protein forms P1222S.
Identifiers: ClinVar variation 1419307 (VCV001419307.10), dbSNP rs1555615088, ClinGen allele CA398990538.

ClinVar aggregate classification (germline): Uncertain significance. Review status: criteria provided, multiple submitters, no conflicts (2 of 4 stars). 2 submissions from 2 submitters: Uncertain significance (2). Last evaluated 2025-02-12.

Conditions:
Neurofibromatosis, type 1 (NF1). Also called: Peripheral type neurofibromatosis; Neurofibromatosis, type I; VON RECKLINGHAUSEN DISEASE; NEUROFIBROMATOSIS, TYPE I, SOMATIC. Identifiers: Orphanet 636, MedGen C0027831, MONDO:0018975, OMIM 162200. Disease mechanism: loss of function.
Hereditary cancer-predisposing syndrome. Also called: Hereditary neoplastic syndrome; Neoplastic Syndromes, Hereditary; Hereditary Cancer Syndrome; Tumor predisposition. Identifiers: Orphanet 140162, MedGen C0027672, MeSH D009386, MONDO:0015356.
Cardiovascular phenotype. Identifiers: MedGen CN230736.

Allele frequency attached by ClinVar (database versions not stated): gnomAD exomes below 0.00001.
gnomAD v4.1: 1 of 1,614,014 alleles (0.000062%); highest among the groups gnomAD compares: Non-Finnish European, 0.000085%; no homozygotes.

Submissions (2):

Labcorp Genetics (formerly Invitae), Labcorp
Classification: Uncertain significance for Neurofibromatosis, type 1. Last evaluated: 2025-02-12. Review status: criteria provided, single submitter. Criteria: Invitae Variant Classification Sherloc (09022015). Collection method: clinical testing. Allele origin: germline.
Comment: This sequence change replaces proline, which is neutral and non-polar, with serine, which is neutral and polar, at codon 1222 of the NF1 protein (p.Pro1222Ser). This variant is not present in population databases (gnomAD no frequency). This variant has not been reported in the literature in individuals affected with NF1-related conditions. ClinVar contains an entry for this variant (Variation ID: 1419307). Invitae Evidence Modeling of protein sequence and biophysical properties (such as structural, functional, and spatial information, amino acid conservation, physicochemical variation, residue mobility, and thermodynamic stability) indicates that this missense variant is expected to disrupt NF1 protein function with a positive predictive value of 95%. In summary, the available evidence is currently insufficient to determine the role of this variant in disease. Therefore, it has been classified as a Variant of Uncertain Significance.

Ambry Genetics
Classification: Uncertain significance for Cardiovascular phenotype; Hereditary cancer-predisposing syndrome. Last evaluated: 2019-01-29. Review status: criteria provided, single submitter. Criteria: Ambry Variant Classification Scheme 2023. Collection method: clinical testing. Allele origin: germline.
Comment: The p.P1222S variant (also known as c.3664C>T), located in coding exon 27 of the NF1 gene, results from a C to T substitution at nucleotide position 3664. The proline at codon 1222 is replaced by serine, an amino acid with similar properties. This amino acid position is highly conserved in available vertebrate species. In addition, this alteration is predicted to be deleterious by in silico analysis. Since supporting evidence is limited at this time, the clinical significance of this alteration remains unclear.